The following is an entry in ClinVar:

NM_001378418.1(TCF20):c.4978T>A (p.Leu1660Ile)

Gene: TCF20 (transcription factor 20; minus strand). Cytogenetic location: 22q13.2.
Variant type: single nucleotide variant.
Coding change: c.4978T>A on transcript NM_001378418.1 (MANE Select); coding-DNA position 4978, T replaced by A.
Protein change: p.Leu1660Ile; replaces leucine 1660 with isoleucine.
Molecular consequence: missense variant.
Genome position (GRCh38, 1-based): chr22:42,210,328, A>T on the plus strand (T>A on the coding strand, the complement: TCF20 is on the minus strand). VCF-style: chr22-42210328-A-T. GRCh37 (hg19) VCF-style: chr22-42606334-A-T.
Other names: c.4978T>A, p.Leu1660Ile (NM_005650.4, NM_181492.3); short protein forms L1660I.
Identifiers: ClinVar variation 3377967 (VCV003377967.2).
Genomic context (GRCh38, chr22:42,210,328, plus strand): 5'-TGCTTTCAGTGCTGCTAGGTGGAGGGGTCAGTGACCTCTGACCCTTCCTGCCCCTCACTA[A>T]TTTGGTCTGTTCTTCTTCCTCAGCATTGATGATTGTACAAACGGCTCCAAGTTCACACTT-3'
Protein context (NP_001365347.1, residues 1650-1670): INAEEEEQTK[Leu1660Ile]VRGRKGQRSL

ClinVar aggregate classification (germline): Uncertain significance. Review status: criteria provided, multiple submitters, no conflicts (2 of 4 stars). 2 submissions from 2 submitters: Uncertain significance (2). Last evaluated 2024-09-26.

Conditions:
Inborn genetic diseases. Identifiers: MedGen C0950123, MeSH D030342.

gnomAD v4.1: 3 of 1,613,972 alleles (0.00019%); highest among the groups gnomAD compares: South Asian, 0.0033%; no homozygotes.

Submissions (2):

Ambry Genetics
Classification: Uncertain significance for Inborn genetic diseases. Last evaluated: 2024-09-26. Review status: criteria provided, single submitter. Criteria: Ambry Variant Classification Scheme 2023. Collection method: clinical testing. Allele origin: germline.

GeneDx
Classification: Uncertain significance. Last evaluated: 2024-05-16. Review status: criteria provided, single submitter. Criteria: GeneDx Variant Classification Process June 2021. Collection method: clinical testing. Allele origin: germline. Affected: yes.
Comment: In silico analysis indicates that this missense variant does not alter protein structure/function; Has not been previously published as pathogenic or benign to our knowledge